The following is an entry in ClinVar:

NM_000254.3(MTR):c.3552C>T (p.Thr1184=)

Gene: MTR (5-methyltetrahydrofolate-homocysteine methyltransferase; plus strand). Cytogenetic location: 1q43.
Variant type: single nucleotide variant.
Coding change: c.3552C>T on transcript NM_000254.3 (MANE Select); coding-DNA position 3552, C replaced by T.
Protein change: p.Thr1184=; no amino-acid change (threonine 1184 retained).
Molecular consequence: synonymous variant.
Genome position (GRCh38, 1-based): chr1:236,895,504, C>T. VCF-style: chr1-236895504-C-T. GRCh37 (hg19) VCF-style: chr1-237058804-C-T.
Other names: c.3399C>T, p.Thr1133= (NM_001291939.1); c.2331C>T, p.Thr777= (NM_001291940.2).
Identifiers: ClinVar variation 507138 (VCV000507138.11), dbSNP rs760793648, ClinGen allele CA1474728.
Genomic context (GRCh38, chr1:236,895,504, plus strand): 5'-CAGGCTGCGGTACAAGGGCATCCGCCCGGCTCCTGGCTACCCCAGCCAGCCCGACCACAC[C>T]GAGAAGCTCACCATGTGGAGACTCGCAGACATCGAGCAGTCTACAGGTAGGAGCCAGGAG-3'
Protein context (NP_000245.2, residues 1174-1194): APGYPSQPDH[Thr1184=]EKLTMWRLAD

ClinVar aggregate classification (germline): Conflicting classifications of pathogenicity. Review status: criteria provided, conflicting classifications (1 of 4 stars). 3 submissions from 3 submitters: Uncertain significance (1); Likely benign (2). Last evaluated 2024-02-27.

Conditions:
Disorders of Intracellular Cobalamin Metabolism. Identifiers: MedGen CN043592.
Methylcobalamin deficiency type cblG (HMAG). Also called: Functional methionine synthase deficiency type cblG; HOMOCYSTINURIA-MEGALOBLASTIC ANEMIA, cblG COMPLEMENTATION TYPE; HOMOCYSTINURIA-MEGALOBLASTIC ANEMIA, cblG TYPE; HOMOCYSTINURIA-MEGALOBLASTIC ANEMIA DUE TO DEFECT IN COBALAMIN METABOLISM, cblG COMPLEMENTATION TYPE. Identifiers: Orphanet 2170, Orphanet 622, MedGen C1855128, MONDO:0009609, OMIM 250940.

Allele frequency attached by ClinVar (database versions not stated): TOPMed 0.00006; ExAC 0.00007; gnomAD 0.00009 and 0.00010.
gnomAD v4.1: 42 of 1,593,672 alleles (0.0026%); highest among the groups gnomAD compares: Middle Eastern, 0.017%; no homozygotes.

Submissions (3):

Labcorp Genetics (formerly Invitae), Labcorp
Classification: Likely benign for Methylcobalamin deficiency type cblG. Last evaluated: 2024-02-27. Review status: criteria provided, single submitter. Criteria: Invitae Variant Classification Sherloc (09022015). Collection method: clinical testing. Allele origin: germline.

Illumina Laboratory Services, Illumina
Classification: Uncertain significance for Disorders of Intracellular Cobalamin Metabolism. Last evaluated: 2018-01-13. Review status: criteria provided, single submitter. Criteria: ICSL Variant Classification Criteria 13 December 2019. Collection method: clinical testing. Allele origin: germline.

GeneDx
Classification: Likely benign. Last evaluated: 2017-01-28. Review status: criteria provided, single submitter. Criteria: GeneDx Variant Classification (06012015). Collection method: clinical testing. Allele origin: germline. Affected: yes.
Comment: This variant is considered likely benign or benign based on one or more of the following criteria: it is a conservative change, it occurs at a poorly conserved position in the protein, it is predicted to be benign by multiple in silico algorithms, and/or has population frequency not consistent with disease.